The following is an entry in ClinVar:

ClinVar aggregate classification (germline): Uncertain significance (1 of 4 stars; one submission).

gnomAD v4.1: 3 of 1,613,784 alleles (0.00019%); highest among the groups gnomAD compares: South Asian, 0.0022%; no homozygotes.

Submission:

Labcorp Genetics (formerly Invitae), Labcorp
Classification: Uncertain significance. Last evaluated: 2025-11-23. Review status: criteria provided, single submitter. Criteria: Invitae Variant Classification Sherloc (09022015). Collection method: clinical testing. Allele origin: germline.
Comment: This sequence change replaces glutamine, which is neutral and polar, with arginine, which is basic and polar, at codon 13 of the CACNA1D protein (p.Gln13Arg). This variant is not present in population databases (gnomAD no frequency). This variant has not been reported in the literature in individuals affected with CACNA1D-related conditions. An algorithm developed to predict the effect of missense changes on protein structure and function (PolyPhen-2) suggests that this variant is likely to be tolerated. In summary, the available evidence is currently insufficient to determine the role of this variant in disease. Therefore, it has been classified as a Variant of Uncertain Significance.

NM_001128840.3(CACNA1D):c.38A>G (p.Gln13Arg)

Gene: CACNA1D (calcium voltage-gated channel subunit alpha1 D; plus strand). Cytogenetic location: 3p21.1.
Variant type: single nucleotide variant.
Coding change: c.38A>G on transcript NM_001128840.3 (MANE Select); coding-DNA position 38, A replaced by G.
Protein change: p.Gln13Arg; replaces glutamine 13 with arginine.
Molecular consequence: missense variant.
Genome position (GRCh38, 1-based): chr3:53,495,204, A>G. VCF-style: chr3-53495204-A-G. GRCh37 (hg19) VCF-style: chr3-53529231-A-G.
Other names: c.38A>G, p.Gln13Arg (NM_000720.4, NM_001128839.3); short protein forms Q13R.
Identifiers: ClinVar variation 4716499 (VCV004716499.1).